The following is an entry in ClinVar:

ClinVar aggregate classification (germline): not provided (0 of 4 stars; one submission).

Conditions:
Small for gestational age. Also called: Low birth weight. Identifiers: MedGen C0235991, HP:0001518.

Submission:

Institute of Molecular and Cell Biology, University of Tartu
No classification provided. Condition: Small for gestational age. Review status: no classification provided. Collection method: case-control. Allele origin: unknown. Affected: yes. Study: Kasak2014.
Comment: The study aimed to determine the contribution of copy number variants in the genetic etiology of normal and complicated pregnancies. The samples represented (i) maternal blood DNA drawn from healthy pregnant women during 1st or 2nd trimester and (ii) maternal and paternal blood DNA drawn at term pregnancy cases representing normal and complicated gestations (severe preeclampsia, PE; gestational diabetes, GD; small-for-gestational age newborn, SGA; large-for-gestational age newborn, LGA). We performed CNV calling based on genome-wide genotyping dataset (Illumina HumanOmniExpress-24-v1 BeadChip) by applying three algorithms, QuantiSNP, GADA (Genome Alteration Detection Algorithm) and CNstream in parallel. The acquired CNV calls were merged with HD-CNV (Hotspot Detector for Copy Number Variants) program and only the CNVs predicted by at least two programs, were considered in subsequent analysis.

Literature cited by the submitters: PubMed 25666259.

Single allele

Genes: ANTXR2 (ANTXR cell adhesion molecule 2; minus strand), LOC129389222 (MPRA-validated peak5064 silencer; plus strand). Cytogenetic location: 4q21.21.
Variant type: Deletion.
Identifiers: ClinVar variation 156923 (VCV000156923.2).